The following is an entry in ClinVar:

ClinVar aggregate classification (germline): Uncertain significance (1 of 4 stars; one submission).

Conditions:
Cardiovascular phenotype. Identifiers: MedGen CN230736.

Allele frequency attached by ClinVar (database versions not stated): gnomAD exomes below 0.00001.
gnomAD v4.1: 1 of 1,614,236 alleles (0.000062%); no homozygotes.

Submission:

Ambry Genetics
Classification: Uncertain significance for Cardiovascular phenotype. Last evaluated: 2023-08-29. Review status: criteria provided, single submitter. Criteria: Ambry Variant Classification Scheme 2023. Collection method: clinical testing. Allele origin: germline.
Comment: The p.L1089F variant (also known as c.3265C>T), located in coding exon 21 of the TRPM4 gene, results from a C to T substitution at nucleotide position 3265. The leucine at codon 1089 is replaced by phenylalanine, an amino acid with highly similar properties. This amino acid position is conserved. In addition, this alteration is predicted to be tolerated by in silico analysis. Since supporting evidence is limited at this time, the clinical significance of this alteration remains unclear.

NM_017636.4(TRPM4):c.3265C>T (p.Leu1089Phe)

Gene: TRPM4 (transient receptor potential cation channel subfamily M member 4; plus strand). Cytogenetic location: 19q13.33.
Variant type: single nucleotide variant.
Coding change: c.3265C>T on transcript NM_017636.4 (MANE Select); coding-DNA position 3265, C replaced by T.
Protein change: p.Leu1089Phe; replaces leucine 1089 with phenylalanine.
Molecular consequence: missense variant.
Genome position (GRCh38, 1-based): chr19:49,210,342, C>T. VCF-style: chr19-49210342-C-T. GRCh37 (hg19) VCF-style: chr19-49713599-C-T.
Other names: c.2830C>T, p.Leu944Phe (NM_001195227.2); c.2920C>T, p.Leu974Phe (NM_001321281.2); c.1657C>T, p.Leu553Phe (NM_001321282.2); c.2743C>T, p.Leu915Phe (NM_001321283.2); c.2203C>T, p.Leu735Phe (NM_001321285.2); short protein forms L1089F, L553F, L735F, L915F, L944F, L974F.
Identifiers: ClinVar variation 2624930 (VCV002624930.2), dbSNP rs2514239028, ClinGen allele CA406772011.